The following is an entry in ClinVar:

NM_016938.5(EFEMP2):c.774_775inv (p.Ile259Val)

Gene: EFEMP2 (EGF-like fibulin extracellular matrix protein 2; minus strand). Cytogenetic location: 11q13.1.
Variant type: Inversion.
Coding change: c.774_775inv on transcript NM_016938.5 (MANE Select).
Protein change: p.Ile259Val; replaces isoleucine 259 with valine.
Molecular consequence: missense variant. On other transcripts: non-coding transcript variant (1).
Genome position: GRCh38 VCF-style: chr11-65868582-TG-CA. GRCh37 (hg19) VCF-style: chr11-65636053-TG-CA.
Other names: c.774_775delCAinsTG (NM_016938.4); short protein forms I259V.
Identifiers: ClinVar variation 1090452 (VCV001090452.9), ClinGen allele CA2499221179.

ClinVar aggregate classification (germline): Conflicting classifications of pathogenicity. Review status: criteria provided, conflicting classifications (1 of 4 stars). 2 submissions from 2 submitters: Uncertain significance (1); Likely benign (1). Last evaluated 2025-10-17.

Conditions:
Cutis laxa, autosomal recessive, type 1B (ARCL1B). Also called: EFEMP2-Related Cutis Laxa; CUTIS LAXA, AUTOSOMAL RECESSIVE, TYPE IB. Identifiers: Orphanet 90349, MedGen C3280798, MONDO:0013754, OMIM 614437. Disease mechanism: loss of function.
Cardiovascular phenotype. Identifiers: MedGen CN230736.

Submissions (2):

Labcorp Genetics (formerly Invitae), Labcorp
Classification: Likely benign for Cutis laxa, autosomal recessive, type 1B. Last evaluated: 2025-10-17. Review status: criteria provided, single submitter. Criteria: Invitae Variant Classification Sherloc (09022015). Collection method: clinical testing. Allele origin: germline.

Ambry Genetics
Classification: Uncertain significance for Cardiovascular phenotype. Last evaluated: 2025-06-27. Review status: criteria provided, single submitter. Criteria: Ambry Variant Classification Scheme 2023. Collection method: clinical testing. Allele origin: germline.
Comment: The c.774_775delCAinsTG variant, located in coding exon 7 of the EFEMP2 gene, results from an in-frame deletion of CA and insertion of TG at nucleotide positions 774 to 775. This results in the substitution of the isoleucine residue for a valine residue at codon 259, an amino acid with highly similar properties. This amino acid position is poorly conserved in available vertebrate species. In addition, this variant is predicted to be neutral by in silico analysis (Choi Y et al. PLoS ONE. 2012; 7(10):e46688). Based on the available evidence, the clinical significance of this variant remains unclear.